The following is an entry in ClinVar:

NM_001060.6(TBXA2R):c.209T>A (p.Leu70His)

Gene: TBXA2R (thromboxane A2 receptor; minus strand). Cytogenetic location: 19p13.3.
Variant type: single nucleotide variant.
Coding change: c.209T>A on transcript NM_001060.6 (MANE Select); coding-DNA position 209, T replaced by A.
Protein change: p.Leu70His; replaces leucine 70 with histidine.
Molecular consequence: missense variant.
Genome position (GRCh38, 1-based): chr19:3,600,426, A>T on the plus strand (T>A on the coding strand, the complement: TBXA2R is on the minus strand). VCF-style: chr19-3600426-A-T. GRCh37 (hg19) VCF-style: chr19-3600424-A-T.
Other names: c.209T>A, p.Leu70His (NM_201636.3); short protein forms L70H.
Identifiers: ClinVar variation 3716135 (VCV003716135.3).
Genomic context (GRCh38, chr19:3,600,426, plus strand): 5'-GCGTGCTGGGACACCACGATGGTACCGGTCACCAGCAGCCCCAGGAAGTCGGTGAGGACG[A>T]GGCCGCAGAGGAAGGTGAGGAAGGAGGAGCGCGTGTGCGAACCCCCCTGCCGCGCGCCCG-3'
Protein context (NP_001051.1, residues 60-80): RSSFLTFLCG[Leu70His]VLTDFLGLLV

ClinVar aggregate classification (germline): Uncertain significance. Review status: criteria provided, multiple submitters, no conflicts (2 of 4 stars). 2 submissions from 2 submitters: Uncertain significance (2). Last evaluated 2025-08-30.

Conditions:
Inborn genetic diseases. Identifiers: MedGen C0950123, MeSH D030342.

gnomAD v4.1: 1 of 1,613,308 alleles (0.000062%); highest among the groups gnomAD compares: Non-Finnish European, 0.000085%; no homozygotes.

Submissions (2):

Ambry Genetics
Classification: Uncertain significance for Inborn genetic diseases. Last evaluated: 2025-08-30. Review status: criteria provided, single submitter. Criteria: Ambry Variant Classification Scheme 2023. Collection method: clinical testing. Allele origin: germline.

Labcorp Genetics (formerly Invitae), Labcorp
Classification: Uncertain significance. Last evaluated: 2024-12-17. Review status: criteria provided, single submitter. Criteria: Invitae Variant Classification Sherloc (09022015). Collection method: clinical testing. Allele origin: germline.
Comment: This sequence change replaces leucine, which is neutral and non-polar, with histidine, which is basic and polar, at codon 70 of the TBXA2R protein (p.Leu70His). This variant is not present in population databases (gnomAD no frequency). This variant has not been reported in the literature in individuals affected with TBXA2R-related conditions. Invitae Evidence Modeling of protein sequence and biophysical properties (such as structural, functional, and spatial information, amino acid conservation, physicochemical variation, residue mobility, and thermodynamic stability) indicates that this missense variant is expected to disrupt TBXA2R protein function with a positive predictive value of 80%. In summary, the available evidence is currently insufficient to determine the role of this variant in disease. Therefore, it has been classified as a Variant of Uncertain Significance.